The following is an entry in ClinVar:

ClinVar aggregate classification (germline): not provided (0 of 4 stars; one submission).

Allele frequency attached by ClinVar (database versions not stated): gnomAD 0.00001 and 0.00002; gnomAD exomes 0.00001; TOPMed 0.00002.
gnomAD v4.1: 9 of 1,086,252 alleles (0.00083%); highest among the groups gnomAD compares: African/African-American, 0.0046%; no homozygotes.

Submission:

Human Evolutionary Genetics, Institut Pasteur
No classification provided. Review status: no classification provided. Collection method: not provided. Allele origin: germline.
ClinVar note: Converted during submission from untested to not provided.

NM_144687.4(NLRP12):c.290-76A>G

Gene: NLRP12 (NLR family pyrin domain containing 12; minus strand). Cytogenetic location: 19q13.42.
Variant type: single nucleotide variant.
Coding change: c.290-76A>G on transcript NM_144687.4 (MANE Select); 76 bases into the intron before coding-DNA position 290, A replaced by G.
Molecular consequence: intron variant.
Genome position (GRCh38, 1-based): chr19:53,815,064, T>C on the plus strand (A>G on the coding strand, the complement: NLRP12 is on the minus strand). VCF-style: chr19-53815064-T-C. GRCh37 (hg19) VCF-style: chr19-54318318-T-C.
Other names: c.290-76A>G (NM_001277129.1, NM_001277126.2).
Identifiers: ClinVar variation 103262 (VCV000103262.2), dbSNP rs199476241, ClinGen allele CA230335.